The following is an entry in ClinVar:

NM_000152.5(GAA):c.928G>A (p.Val310Met)

Gene: GAA (alpha glucosidase; plus strand). Cytogenetic location: 17q25.3.
Variant type: single nucleotide variant.
Coding change: c.928G>A on transcript NM_000152.5 (MANE Select); coding-DNA position 928, G replaced by A.
Protein change: p.Val310Met; replaces valine 310 with methionine.
Molecular consequence: missense variant.
Genome position (GRCh38, 1-based): chr17:80,107,869, G>A. VCF-style: chr17-80107869-G-A. GRCh37 (hg19) VCF-style: chr17-78081668-G-A.
Other names: c.928G>A, p.Val310Met (NM_001079803.3, NM_001079804.3, NM_001406741.1 and 1 more transcripts); short protein forms V310M.
Identifiers: ClinVar variation 2796830 (VCV002796830.3), dbSNP rs941586376, ClinGen allele CA401364175.

ClinVar aggregate classification (germline): Uncertain significance (1 of 4 stars; one submission).

Conditions:
Glycogen storage disease, type II (IOPD). Also called: CARDIOMEGALIA GLYCOGENICA DIFFUSA; Glycogen storage disease type 2; Acid maltase deficiency disease; Aglucosidase alfa; Deficiency of alpha-glucosidase; Deficiency of lysosomal alpha-glucosidase. Identifiers: Orphanet 365, MedGen C0017921, MONDO:0009290, OMIM 232300.

Submission:

Labcorp Genetics (formerly Invitae), Labcorp
Classification: Uncertain significance for Glycogen storage disease, type II. Last evaluated: 2024-01-02. Review status: criteria provided, single submitter. Criteria: Invitae Variant Classification Sherloc (09022015). Collection method: clinical testing. Allele origin: germline.
Comment: This sequence change replaces valine, which is neutral and non-polar, with methionine, which is neutral and non-polar, at codon 310 of the GAA protein (p.Val310Met). This variant is not present in population databases (gnomAD no frequency). This variant has not been reported in the literature in individuals affected with GAA-related conditions. Advanced modeling of protein sequence and biophysical properties (such as structural, functional, and spatial information, amino acid conservation, physicochemical variation, residue mobility, and thermodynamic stability) performed at Invitae indicates that this missense variant is expected to disrupt GAA protein function with a positive predictive value of 95%. In summary, the available evidence is currently insufficient to determine the role of this variant in disease. Therefore, it has been classified as a Variant of Uncertain Significance.